The following is an entry in ClinVar:

ClinVar aggregate classification (germline): Benign (1 of 4 stars; one submission).

Allele frequency attached by ClinVar (database versions not stated): 1000 Genomes Project 0.03415; 1000 Genomes Project 30x 0.03513; gnomAD 0.05017 and 0.05112; TOPMed 0.05192.
gnomAD v4.1: 7,822 of 152,030 alleles (5.1%); highest among the groups gnomAD compares: Non-Finnish European, 7.5%; 254 homozygotes.

Submission:

GeneDx
Classification: Benign. Last evaluated: 2018-06-19. Review status: criteria provided, single submitter. Criteria: GeneDx Variant Classification (06012015). Collection method: clinical testing. Allele origin: germline. Affected: yes.
Comment: This variant is considered likely benign or benign based on one or more of the following criteria: it is a conservative change, it occurs at a poorly conserved position in the protein, it is predicted to be benign by multiple in silico algorithms, and/or has population frequency not consistent with disease.

NM_001377.3(DYNC2H1):c.11649+167G>C

Gene: DYNC2H1 (dynein cytoplasmic 2 heavy chain 1; plus strand). Cytogenetic location: 11q22.3.
Variant type: single nucleotide variant.
Coding change: c.11649+167G>C on transcript NM_001377.3 (MANE Select); 167 bases into the intron after coding-DNA position 11649, G replaced by C.
Molecular consequence: intron variant.
Genome position (GRCh38, 1-based): chr11:103,312,200, G>C. VCF-style: chr11-103312200-G-C. GRCh37 (hg19) VCF-style: chr11-103182929-G-C.
Other names: c.11670+167G>C (NM_001080463.2).
Identifiers: ClinVar variation 669459 (VCV000669459.1), dbSNP rs11225687, ClinGen allele CA227429457.